The following is an entry in ClinVar:

ClinVar aggregate classification (germline): Likely benign. Review status: criteria provided, single submitter (1 of 4 stars). 2 submissions from 2 submitters: Likely benign (1). 1 of the submissions does not count toward it. Last evaluated 2024-02-26.

Conditions:
GAB1-related disorder. Also called: GAB1-related condition.

Allele frequency attached by ClinVar (database versions not stated): 1000 Genomes Project 30x 0.00016; 1000 Genomes Project 0.00020; ESP Exome Variant Server 0.00023; gnomAD 0.00026; TOPMed 0.00028; ExAC 0.00051.
gnomAD v4.1: 700 of 1,613,328 alleles (0.043%); highest among the groups gnomAD compares: Non-Finnish European, 0.052%; 1 homozygote.

Submissions (2):

Blueprint Genetics
Classification: Likely benign. Last evaluated: 2024-02-26. Review status: criteria provided, single submitter. Criteria: ACMG Guidelines, 2015. Collection method: clinical testing. Allele origin: germline.

PreventionGenetics, part of Exact Sciences
Classification: Likely benign for GAB1-related condition. Last evaluated: 2019-04-22. Review status: no assertion criteria provided. Collection method: clinical testing. Allele origin: germline. Not counted in ClinVar's aggregate classification.
Comment: This variant is classified as likely benign based on ACMG/AMP sequence variant interpretation guidelines (Richards et al. 2015 PMID: 25741868, with internal and published modifications).

NM_002039.4(GAB1):c.582C>T (p.Pro194=)

Gene: GAB1 (GRB2 associated binding protein 1; plus strand). Cytogenetic location: 4q31.21.
Variant type: single nucleotide variant.
Coding change: c.582C>T on transcript NM_002039.4 (MANE Select); coding-DNA position 582, C replaced by T.
Protein change: p.Pro194=; no amino-acid change (proline 194 retained).
Molecular consequence: synonymous variant.
Genome position (GRCh38, 1-based): chr4:143,433,705, C>T. VCF-style: chr4-143433705-C-T. GRCh37 (hg19) VCF-style: chr4-144354858-C-T.
Other names: c.582C>T, p.Pro194= (NM_207123.3).
Identifiers: ClinVar variation 3050643 (VCV003050643.3), dbSNP rs141833843, ClinGen allele CA3090451.